The following is an entry in ClinVar:

ClinVar aggregate classification (germline): Likely benign. Review status: criteria provided, single submitter (1 of 4 stars). 2 submissions from 2 submitters: Likely benign (1). 1 of the submissions does not count toward it. Last evaluated 2026-01-28.

Conditions:
TOP2B-related disorder. Also called: TOP2B-related condition.

Submissions (2):

Labcorp Genetics (formerly Invitae), Labcorp
Classification: Likely benign. Last evaluated: 2026-01-28. Review status: criteria provided, single submitter. Criteria: Invitae Variant Classification Sherloc (09022015). Collection method: clinical testing. Allele origin: germline.

PreventionGenetics, part of Exact Sciences
Classification: Likely benign for TOP2B-related condition. Last evaluated: 2023-10-31. Review status: no assertion criteria provided. Collection method: clinical testing. Allele origin: germline. Not counted in ClinVar's aggregate classification.
Comment: This variant is classified as likely benign based on ACMG/AMP sequence variant interpretation guidelines (Richards et al. 2015 PMID: 25741868, with internal and published modifications).

NM_001330700.2(TOP2B):c.396-20_396-5del

Gene: TOP2B (DNA topoisomerase II beta; minus strand). Cytogenetic location: 3p24.2.
Variant type: Deletion.
Coding change: c.396-20_396-5del on transcript NM_001330700.2 (MANE Select); 20 bases into the intron before coding-DNA position 396 through 5 bases into the intron before coding-DNA position 396, 16 bases deleted (TTTTTTTTTTTTTTTT).
Molecular consequence: intron variant.
Genome position (GRCh38, 1-based): chr3:25,638,315-25,638,330, AAAAAAAAAAAAAAAA deleted on the plus strand (TTTTTTTTTTTTTTTT on the coding strand, the reverse complement: TOP2B is on the minus strand); deleting any 16 consecutive bases within chr3:25,638,315-25,638,352 gives the same sequence; the c. name uses the placement nearest the transcript's 3' end. VCF-style (leftmost placement, unchanged base first): chr3-25638314-TAAAAAAAAAAAAAAAA-T. GRCh37 (hg19) VCF-style: chr3-25679805-TAAAAAAAAAAAAAAAA-T.
Other names: c.381-20_381-5del (NM_001068.3); c.396-20_396-5del16 (NM_001330700.1).
Identifiers: ClinVar variation 1097328 (VCV001097328.9), dbSNP rs56986587, ClinGen allele CA905648704.